The following is an entry in ClinVar:

ClinVar aggregate classification (germline): Likely pathogenic (1 of 4 stars; one submission).

Conditions:
Dilated cardiomyopathy 1DD (CMD1DD). Identifiers: Orphanet 154, MedGen C2750995, MONDO:0013168, OMIM 613172.

Submission:

Labcorp Genetics (formerly Invitae), Labcorp
Classification: Likely pathogenic for Dilated cardiomyopathy 1DD. Last evaluated: 2025-11-21. Review status: criteria provided, single submitter. Criteria: Invitae Variant Classification Sherloc (09022015). Collection method: clinical testing. Allele origin: germline.
Comment: This variant results in the deletion of part of exon 6 (c.1664_1668+3del) of the RBM20 gene. It is expected to disrupt RNA splicing. Variants that disrupt the donor or acceptor splice site typically lead to a loss of protein function (PMID: 16199547), and loss-of-function variants in RBM20 are known to be pathogenic (PMID: 20590677, 22004663, 38288598, 38510713, 40339755). This variant is not present in population databases (gnomAD no frequency). This variant has not been reported in the literature in individuals affected with RBM20-related conditions. In summary, the currently available evidence indicates that the variant is pathogenic, but additional data are needed to prove that conclusively. Therefore, this variant has been classified as Likely Pathogenic.

Literature cited by the submitters: PubMed 16199547; PubMed 20590677; PubMed 22004663; PubMed 38288598; PubMed 38510713; PubMed 40339755.

NM_001134363.3(RBM20):c.1664_1668+3del

Gene: RBM20 (RNA binding motif protein 20; plus strand). Cytogenetic location: 10q25.2.
Variant type: Deletion.
Coding change: c.1664_1668+3del on transcript NM_001134363.3 (MANE Select); coding-DNA position 1664 through 3 bases into the intron after coding-DNA position 1668, 8 bases deleted (ATCAGGTA; older notation c.1664_1668+3delATCAGGTA).
Molecular consequence: splice donor variant.
Genome position (GRCh38, 1-based): chr10:110,797,644-110,797,651, ATCAGGTA deleted; deleting any 8 consecutive bases within chr10:110,797,642-110,797,651 gives the same sequence; the c. name uses the placement nearest the transcript's 3' end. VCF-style (leftmost placement, unchanged base first): chr10-110797641-CTAATCAGG-C. GRCh37 (hg19) VCF-style: chr10-112557399-CTAATCAGG-C.
Identifiers: ClinVar variation 4809163 (VCV004809163.1).